The following is an entry in ClinVar:

NM_003640.5(ELP1):c.2852G>C (p.Ser951Thr)

Gene: ELP1 (elongator acetyltransferase complex subunit 1; minus strand). Cytogenetic location: 9q31.3.
Variant type: single nucleotide variant.
Coding change: c.2852G>C on transcript NM_003640.5 (MANE Select); coding-DNA position 2852, G replaced by C.
Protein change: p.Ser951Thr; replaces serine 951 with threonine.
Molecular consequence: missense variant.
Genome position (GRCh38, 1-based): chr9:108,893,951, C>G on the plus strand (G>C on the coding strand, the complement: ELP1 is on the minus strand). VCF-style: chr9-108893951-C-G. GRCh37 (hg19) VCF-style: chr9-111656231-C-G.
Other names: c.2510G>C, p.Ser837Thr (NM_001318360.2); c.1805G>C, p.Ser602Thr (NM_001330749.2); short protein forms S837T, S602T, S951T.
Identifiers: ClinVar variation 2200027 (VCV002200027.2), dbSNP rs978773866, ClinGen allele CA197531403.

ClinVar aggregate classification (germline): Uncertain significance (1 of 4 stars; one submission).

Allele frequency attached by ClinVar (database versions not stated): gnomAD exomes 0.00001; TOPMed 0.00001; gnomAD 0.00002.
gnomAD v4.1: 7 of 1,613,646 alleles (0.00043%); highest among the groups gnomAD compares: Admixed American, 0.005%; no homozygotes.

Submission:

Labcorp Genetics (formerly Invitae), Labcorp
Classification: Uncertain significance. Last evaluated: 2024-02-24. Review status: criteria provided, single submitter. Criteria: Invitae Variant Classification Sherloc (09022015). Collection method: clinical testing. Allele origin: germline.
Comment: This sequence change replaces serine, which is neutral and polar, with threonine, which is neutral and polar, at codon 951 of the ELP1 protein (p.Ser951Thr). This variant is not present in population databases (gnomAD no frequency). This variant has not been reported in the literature in individuals affected with ELP1-related conditions. ClinVar contains an entry for this variant (Variation ID: 2200027). Advanced modeling of protein sequence and biophysical properties (such as structural, functional, and spatial information, amino acid conservation, physicochemical variation, residue mobility, and thermodynamic stability) performed at Invitae indicates that this missense variant is expected to disrupt ELP1 protein function with a positive predictive value of 80%. In summary, the available evidence is currently insufficient to determine the role of this variant in disease. Therefore, it has been classified as a Variant of Uncertain Significance.